The following is an entry in ClinVar:

NM_001283009.2(RTEL1):c.3515A>C (p.Glu1172Ala)

Genes: RTEL1-TNFRSF6B (RTEL1-TNFRSF6B readthrough (NMD candidate); plus strand), RTEL1 (regulator of telomere elongation helicase 1; plus strand). Cytogenetic location: 20q13.33.
Variant type: single nucleotide variant.
Coding change: c.3515A>C on transcript NM_001283009.2 (MANE Select); coding-DNA position 3515, A replaced by C.
Protein change: p.Glu1172Ala; replaces glutamic acid 1172 with alanine.
Molecular consequence: missense variant. On other transcripts: non-coding transcript variant (1).
Genome position (GRCh38, 1-based): chr20:63,695,343, A>C. VCF-style: chr20-63695343-A-C. GRCh37 (hg19) VCF-style: chr20-62326696-A-C.
Other names: c.2846A>C, p.Glu949Ala (NM_001283010.1); c.3515A>C, p.Glu1172Ala (NM_016434.4); c.3587A>C, p.Glu1196Ala (NM_032957.5); short protein forms E1172A, E1196A, E949A.
Identifiers: ClinVar variation 1419468 (VCV001419468.6), dbSNP rs2145479213, ClinGen allele CA409685583.
Genomic context (GRCh38, chr20:63,695,343, plus strand): 5'-CAGCAAAGCCCCAGGCCCCCCTCAGACTCAAGTCTCTGTCTCCAGGCCCCTCACGGTCCG[A>C]GAAGACCGGGAAGACCCAGAGCAAGATCTCGTCCTTCCTTAGACAGAGGCCAGCAGGGAC-3'
Protein context (NP_001269938.1, residues 1162-1182): RAPQPGPSRS[Glu1172Ala]KTGKTQSKIS

ClinVar aggregate classification (germline): Uncertain significance. Review status: criteria provided, multiple submitters, no conflicts (2 of 4 stars). 2 submissions from 2 submitters: Uncertain significance (2). Last evaluated 2025-07-12.

Conditions:
Dyskeratosis congenita, autosomal recessive 5 (DKCB5). Identifiers: MedGen C3554656, MONDO:0014076, OMIM 615190.
Pulmonary fibrosis and/or bone marrow failure, Telomere-related, 3. Also called: PULMONARY FIBROSIS AND/OR BONE MARROW FAILURE SYNDROME, TELOMERE-RELATED, 3. Identifiers: Orphanet 2032, MedGen C4225346, MONDO:0014613, OMIM 616373.
Inborn genetic diseases. Identifiers: MedGen C0950123, MeSH D030342.

Allele frequency attached by ClinVar (database versions not stated): gnomAD exomes below 0.00001.
gnomAD v4.1: 6 of 1,554,292 alleles (0.00039%); highest among the groups gnomAD compares: Non-Finnish European, 0.00052%; no homozygotes.

Submissions (2):

Ambry Genetics
Classification: Uncertain significance for Inborn genetic diseases. Last evaluated: 2025-07-12. Review status: criteria provided, single submitter. Criteria: Ambry Variant Classification Scheme 2023. Collection method: clinical testing. Allele origin: germline.
Comment: The p.E1172A variant (also known as c.3515A>C), located in coding exon 33 of the RTEL1 gene, results from an A to C substitution at nucleotide position 3515. The glutamic acid at codon 1172 is replaced by alanine, an amino acid with dissimilar properties. This amino acid position is conserved. In addition, this alteration is predicted to be tolerated by in silico analysis. Based on the available evidence, the clinical significance of this variant remains unclear.

Labcorp Genetics (formerly Invitae), Labcorp
Classification: Uncertain significance for Dyskeratosis congenita, autosomal recessive 5; Pulmonary fibrosis and/or bone marrow failure, Telomere-related, 3. Last evaluated: 2021-09-17. Review status: criteria provided, single submitter. Criteria: Invitae Variant Classification Sherloc (09022015). Collection method: clinical testing. Allele origin: germline.
Comment: This sequence change replaces glutamic acid with alanine at codon 1172 of the RTEL1 protein (p.Glu1172Ala). The glutamic acid residue is weakly conserved and there is a moderate physicochemical difference between glutamic acid and alanine. This variant is not present in population databases (ExAC no frequency). This variant has not been reported in the literature in individuals affected with RTEL1-related conditions. Algorithms developed to predict the effect of missense changes on protein structure and function (SIFT, PolyPhen-2, Align-GVGD) all suggest that this variant is likely to be tolerated. In summary, the available evidence is currently insufficient to determine the role of this variant in disease. Therefore, it has been classified as a Variant of Uncertain Significance.